The following is an entry in ClinVar:

NM_000020.3(ACVRL1):c.180del (p.Arg61fs)

Gene: ACVRL1 (activin A receptor like type 1; plus strand). Cytogenetic location: 12q13.13.
Variant type: Deletion.
Coding change: c.180del on transcript NM_000020.3 (MANE Select); coding-DNA position 180, one base deleted (G; older notation c.180delG).
Protein change: p.Arg61fs; shifts the reading frame from arginine 61.
Molecular consequence: frameshift variant. On other transcripts: intron variant (1).
Genome position (GRCh38, 1-based): chr12:51,913,217, G deleted; the last of 4 consecutive G bases (chr12:51,913,214-51,913,217); deleting any one gives the same sequence. VCF-style (leftmost placement, unchanged base first): chr12-51913213-AG-A. GRCh37 (hg19) VCF-style: chr12-52306997-AG-A.
Other names: c.180del, p.Arg61fs (NM_001406488.1, NM_001406489.1, NM_001406490.1 and 6 more transcripts); c.61+682del (NM_001406495.1); short protein forms R61fs.
Identifiers: ClinVar variation 2687473 (VCV002687473.1), dbSNP rs2540158607, ClinGen allele CA2697559265.

ClinVar aggregate classification (germline): Likely pathogenic (1 of 4 stars; one submission).

Conditions:
Telangiectasia, hereditary hemorrhagic, type 2 (HHT2). Also called: ACVRL1-Related Hereditary Hemorrhagic Telangiectasia; Telangiectasia, hereditary hemorrhagic, type II. Identifiers: Orphanet 774, MedGen C1838163, MONDO:0010880, OMIM 600376. Disease mechanism: loss of function.

Submission:

Department of Laboratory Medicine, Seoul National University Bundang Hospital
Classification: Likely pathogenic for Telangiectasia, hereditary hemorrhagic, type 2. Last evaluated: 2024-01-16. Review status: criteria provided, single submitter. Criteria: ACMG Guidelines, 2015. Collection method: clinical testing. Allele origin: germline. Affected: yes.
Comment: This frameshift variant is novel likely pathogenic variant of hereditary hemorrhagic telangiectasia type 2